The following is an entry in ClinVar:

NM_000540.3(RYR1):c.11531A>G (p.Asn3844Ser)

Gene: RYR1 (ryanodine receptor 1; plus strand). Cytogenetic location: 19q13.2.
Variant type: single nucleotide variant.
Coding change: c.11531A>G on transcript NM_000540.3 (MANE Select); coding-DNA position 11531, A replaced by G.
Protein change: p.Asn3844Ser; replaces asparagine 3844 with serine.
Molecular consequence: missense variant.
Genome position (GRCh38, 1-based): chr19:38,536,011, A>G. VCF-style: chr19-38536011-A-G. GRCh37 (hg19) VCF-style: chr19-39026651-A-G.
Other names: c.11516A>G, p.Asn3839Ser (NM_001042723.2); short protein forms N3839S, N3844S.
Identifiers: ClinVar variation 1355287 (VCV001355287.4), dbSNP rs1461850175, ClinGen allele CA405656440.

ClinVar aggregate classification (germline): Uncertain significance. Review status: criteria provided, multiple submitters, no conflicts (2 of 4 stars). 2 submissions from 2 submitters: Uncertain significance (2). Last evaluated 2023-05-04.

Conditions:
RYR1-related disorder. Also called: RYR1-related condition; RYR1-related disorders. Identifiers: MedGen CN239331.
Malignant hyperthermia, susceptibility to, 1 (MHS1). Also called: RYR1-Related Malignant Hyperthermia Susceptibility; Malignant hyperthermia suceptibility 1; Anesthesia related hyperthermia; Malignant hyperpyrexia; Fulminating hyperpyrexia; Pharmacogenic myopathy. Identifiers: Orphanet 423, MedGen C2930980, MONDO:0007783, OMIM 145600.

Allele frequency attached by ClinVar (database versions not stated): gnomAD exomes below 0.00001.
gnomAD v4.1: 6 of 1,613,794 alleles (0.00037%); highest among the groups gnomAD compares: South Asian, 0.0011%; no homozygotes.

Submissions (2):

All of Us Research Program, National Institutes of Health
Classification: Uncertain significance for Malignant hyperthermia, susceptibility to, 1. Last evaluated: 2023-05-04. Review status: criteria provided, single submitter. Criteria: ACMG Guidelines, 2015. Collection method: clinical testing. Allele origin: germline. Inheritance: Autosomal dominant inheritance. Observed: 1 variant allele, 1 heterozygote.
Comment: This missense variant replaces asparagine with serine at codon 3844 of the RYR1 protein. Computational prediction is inconclusive regarding the impact of this variant on protein structure and function (internally defined REVEL score threshold 0.5 < inconclusive < 0.7, PMID: 27666373). To our knowledge, functional studies have not been reported for this variant. This variant has not been reported in individuals affected with RYR1-related disorders in the literature. This variant has been identified in 1/250824 chromosomes in the general population by the Genome Aggregation Database (gnomAD). The available evidence is insufficient to determine the role of this variant in disease conclusively. Therefore, this variant is classified as a Variant of Uncertain Significance.

This study involves interpretation of variants in research participants for the purpose of population health screening. Participant phenotype was not available at the time of variant classification. Additional details can be found in publication PMID: 35346344, PMCID: PMC8962531

Labcorp Genetics (formerly Invitae), Labcorp
Classification: Uncertain significance for RYR1-related disorder. Last evaluated: 2022-04-17. Review status: criteria provided, single submitter. Criteria: Invitae Variant Classification Sherloc (09022015). Collection method: clinical testing. Allele origin: germline.
Comment: This sequence change replaces asparagine, which is neutral and polar, with serine, which is neutral and polar, at codon 3844 of the RYR1 protein (p.Asn3844Ser). The frequency data for this variant in the population databases is considered unreliable, as metrics indicate poor data quality at this position in the gnomAD database. This variant has not been reported in the literature in individuals affected with RYR1-related conditions. Advanced modeling of protein sequence and biophysical properties (such as structural, functional, and spatial information, amino acid conservation, physicochemical variation, residue mobility, and thermodynamic stability) performed at Invitae indicates that this missense variant is not expected to disrupt RYR1 protein function. Algorithms developed to predict the effect of sequence changes on RNA splicing suggest that this variant may create or strengthen a splice site. In summary, the available evidence is currently insufficient to determine the role of this variant in disease. Therefore, it has been classified as a Variant of Uncertain Significance.